The following is an entry in ClinVar:

ClinVar aggregate classification (germline): Uncertain significance (1 of 4 stars; one submission).

Conditions:
Inborn genetic diseases. Identifiers: MedGen C0950123, MeSH D030342.

Submission:

Ambry Genetics
Classification: Uncertain significance for Inborn genetic diseases. Last evaluated: 2026-08-15. Review status: criteria provided, single submitter. Criteria: Ambry Variant Classification Scheme 2023. Collection method: clinical testing. Allele origin: germline.
Comment: The p.S117A variant (also known as c.349T>G), located in coding exon 3 of the RTEL1 gene, results from a T to G substitution at nucleotide position 349. The serine at codon 117 is replaced by alanine, an amino acid with similar properties. This amino acid position is conserved. In addition, the in silico prediction for this alteration is inconclusive. Based on the available evidence, the clinical significance of this variant remains unclear.

NM_001283009.2(RTEL1):c.349T>G (p.Ser117Ala)

Genes: RTEL1 (regulator of telomere elongation helicase 1; plus strand), RTEL1-TNFRSF6B (RTEL1-TNFRSF6B readthrough (NMD candidate); plus strand). Cytogenetic location: 20q13.33.
Variant type: single nucleotide variant.
Coding change: c.349T>G on transcript NM_001283009.2 (MANE Select); coding-DNA position 349, T replaced by G.
Protein change: p.Ser117Ala; replaces serine 117 with alanine.
Molecular consequence: missense variant. On other transcripts: non-coding transcript variant (1), 5 prime UTR variant (1).
Genome position (GRCh38, 1-based): chr20:63,661,897, T>G. VCF-style: chr20-63661897-T-G. GRCh37 (hg19) VCF-style: chr20-62293250-T-G.
Other names: c.-321T>G (NM_001283010.1); c.349T>G, p.Ser117Ala (NM_016434.4, NM_032957.5); short protein forms S117A.
Identifiers: ClinVar variation 5028510 (VCV005028510.1).